The following is an entry in ClinVar:

NM_001868.4(CPA1):c.851T>C (p.Val284Ala)

Gene: CPA1 (carboxypeptidase A1; plus strand). Cytogenetic location: 7q32.2.
Variant type: single nucleotide variant.
Coding change: c.851T>C on transcript NM_001868.4 (MANE Select); coding-DNA position 851, T replaced by C.
Protein change: p.Val284Ala; replaces valine 284 with alanine.
Molecular consequence: missense variant.
Genome position (GRCh38, 1-based): chr7:130,385,209, T>C. VCF-style: chr7-130385209-T-C. GRCh37 (hg19) VCF-style: chr7-130025050-T-C.
Other names: c.851T>C (NM_001868.2); short protein forms V284A.
Identifiers: ClinVar variation 1393602 (VCV001393602.9), dbSNP rs2117505975, ClinGen allele CA369283446.

ClinVar aggregate classification (germline): Uncertain significance. Review status: criteria provided, multiple submitters, no conflicts (2 of 4 stars). 2 submissions from 2 submitters: Uncertain significance (2). Last evaluated 2023-04-13.

Conditions:
Hereditary pancreatitis (PCTT). Also called: PRSS1-Related Hereditary Pancreatitis; Hereditary chronic pancreatitis. Identifiers: Orphanet 676, MedGen C0238339, MONDO:0008185, OMIM 167800.

Submissions (2):

Ambry Genetics
Classification: Uncertain significance for Hereditary pancreatitis. Last evaluated: 2023-04-13. Review status: criteria provided, single submitter. Criteria: Ambry Variant Classification Scheme 2023. Collection method: clinical testing. Allele origin: germline.
Comment: The p.V284A variant (also known as c.851T>C), located in coding exon 8 of the CPA1 gene, results from a T to C substitution at nucleotide position 851. The valine at codon 284 is replaced by alanine, an amino acid with similar properties. This amino acid position is conserved. In addition, this alteration is predicted to be tolerated by in silico analysis. Since supporting evidence is limited at this time, the clinical significance of this alteration remains unclear.

Labcorp Genetics (formerly Invitae), Labcorp
Classification: Uncertain significance. Last evaluated: 2021-05-18. Review status: criteria provided, single submitter. Criteria: Invitae Variant Classification Sherloc (09022015). Collection method: clinical testing. Allele origin: germline.
Comment: This variant has not been reported in the literature in individuals with CPA1-related conditions. This variant is not present in population databases (ExAC no frequency). Algorithms developed to predict the effect of missense changes on protein structure and function output the following: SIFT: "Tolerated"; PolyPhen-2: "Benign"; Align-GVGD: "Class C0". The alanine amino acid residue is found in multiple mammalian species, suggesting that this missense change does not adversely affect protein function. These predictions have not been confirmed by published functional studies and their clinical significance is uncertain. In summary, the available evidence is currently insufficient to determine the role of this variant in disease. Therefore, it has been classified as a Variant of Uncertain Significance. This sequence change replaces valine with alanine at codon 284 of the CPA1 protein (p.Val284Ala). The valine residue is moderately conserved and there is a small physicochemical difference between valine and alanine.